The following is an entry in ClinVar:

ClinVar aggregate classification (germline): Uncertain significance (1 of 4 stars; one submission).

Conditions:
Focal segmental glomerulosclerosis 5 (FSGS5). Identifiers: Orphanet 656, MedGen C2750475, MONDO:0013191, OMIM 613237.
Charcot-Marie-Tooth disease dominant intermediate E. Also called: CHARCOT-MARIE-TOOTH NEUROPATHY WITH FOCAL SEGMENTAL GLOMERULONEPHRITIS. Identifiers: Orphanet 93114, MedGen C4302667, MONDO:0013758, OMIM 614455.

gnomAD v4.1: 5 of 1,612,504 alleles (0.00031%); highest among the groups gnomAD compares: Non-Finnish European, 0.00042%; no homozygotes.

Submission:

Labcorp Genetics (formerly Invitae), Labcorp
Classification: Uncertain significance for Charcot-Marie-Tooth disease dominant intermediate E; Focal segmental glomerulosclerosis 5. Last evaluated: 2020-10-10. Review status: criteria provided, single submitter. Criteria: Invitae Variant Classification Sherloc (09022015). Collection method: clinical testing. Allele origin: germline.
Comment: This sequence change replaces glutamic acid with glutamine at codon 867 of the INF2 protein (p.Glu867Gln). The glutamic acid residue is weakly conserved and there is a small physicochemical difference between glutamic acid and glutamine. In summary, the available evidence is currently insufficient to determine the role of this variant in disease. Therefore, it has been classified as a Variant of Uncertain Significance. Algorithms developed to predict the effect of missense changes on protein structure and function output the following: SIFT: "Tolerated"; PolyPhen-2: "Not Available"; Align-GVGD: "Class C0". The glutamine amino acid residue is found in multiple mammalian species, suggesting that this missense change does not adversely affect protein function. These predictions have not been confirmed by published functional studies and their clinical significance is uncertain. This variant has not been reported in the literature in individuals with INF2-related conditions. This variant is not present in population databases (ExAC no frequency).

NM_022489.4(INF2):c.2599G>C (p.Glu867Gln)

Gene: INF2 (inverted formin 2; plus strand). Cytogenetic location: 14q32.33.
Variant type: single nucleotide variant.
Coding change: c.2599G>C on transcript NM_022489.4 (MANE Select); coding-DNA position 2599, G replaced by C.
Protein change: p.Glu867Gln; replaces glutamic acid 867 with glutamine.
Molecular consequence: missense variant.
Genome position (GRCh38, 1-based): chr14:104,712,542, G>C. VCF-style: chr14-104712542-G-C. GRCh37 (hg19) VCF-style: chr14-105178879-G-C.
Other names: c.2599G>C, p.Glu867Gln (NM_001031714.4); short protein forms E867Q.
Identifiers: ClinVar variation 1023825 (VCV001023825.8), dbSNP rs777850657, ClinGen allele CA391221986.